The following is an entry in ClinVar:

ClinVar aggregate classification (germline): Uncertain significance. Review status: criteria provided, multiple submitters, no conflicts (2 of 4 stars). 3 submissions from 3 submitters: Uncertain significance (3). Last evaluated 2025-11-10.

Conditions:
Brugada syndrome. Also called: Sudden Unexplained Nocturnal Death Syndrome (SUNDS); Sudden unexpected nocturnal death syndrome; Sudden Unexplained Death Syndrome; Sudden unexplained nocturnal death syndrome. Identifiers: Orphanet 130, MedGen C1142166, MONDO:0015263.
Cardiovascular phenotype. Identifiers: MedGen CN230736.

Allele frequency attached by ClinVar (database versions not stated): ExAC 0.00003; gnomAD 0.00005 and 0.00006; TOPMed 0.00008; 1000 Genomes Project 30x 0.00016; 1000 Genomes Project 0.00020.
gnomAD v4.1: 17 of 1,596,902 alleles (0.0011%); highest among the groups gnomAD compares: Admixed American, 0.017%; no homozygotes.

Submissions (3):

Labcorp Genetics (formerly Invitae), Labcorp
Classification: Uncertain significance for Brugada syndrome. Last evaluated: 2025-11-10. Review status: criteria provided, single submitter. Criteria: Invitae Variant Classification Sherloc (09022015). Collection method: clinical testing. Allele origin: germline.
Comment: This sequence change replaces glutamine, which is neutral and polar, with glutamic acid, which is acidic and polar, at codon 931 of the CACNA2D1 protein (p.Gln931Glu). This variant is present in population databases (rs145110338, gnomAD 0.01%). This variant has not been reported in the literature in individuals affected with CACNA2D1-related conditions. ClinVar contains an entry for this variant (Variation ID: 1515982). An algorithm developed to predict the effect of missense changes on protein structure and function (PolyPhen-2) suggests that this variant is likely to be disruptive. Algorithms developed to predict the effect of sequence changes on RNA splicing suggest that this variant may disrupt the consensus splice site. In summary, the available evidence is currently insufficient to determine the role of this variant in disease. Therefore, it has been classified as a Variant of Uncertain Significance.

Ambry Genetics
Classification: Uncertain significance for Cardiovascular phenotype. Last evaluated: 2024-10-24. Review status: criteria provided, single submitter. Criteria: Ambry Variant Classification Scheme 2023. Collection method: clinical testing. Allele origin: germline.
Comment: The p.Q931E variant (also known as c.2791C>G), located in coding exon 35 of the CACNA2D1 gene, results from a C to G substitution at nucleotide position 2791. The glutamine at codon 931 is replaced by glutamic acid, an amino acid with highly similar properties. This amino acid position is conserved. In addition, the in silico prediction for this alteration is inconclusive. Since supporting evidence is limited at this time, the clinical significance of this alteration remains unclear.

Mayo Clinic Laboratories, Mayo Clinic
Classification: Uncertain significance. Last evaluated: 2023-12-13. Review status: criteria provided, single submitter. Criteria: ACMG Guidelines, 2015. Collection method: clinical testing. Allele origin: germline. Observed: 1 variant allele.

NM_000722.4(CACNA2D1):c.2791C>G (p.Gln931Glu)

Gene: CACNA2D1 (calcium voltage-gated channel auxiliary subunit alpha2delta 1; minus strand). Cytogenetic location: 7q21.11.
Variant type: single nucleotide variant.
Coding change: c.2791C>G on transcript NM_000722.4 (MANE Select); coding-DNA position 2791, C replaced by G.
Protein change: p.Gln931Glu; replaces glutamine 931 with glutamic acid.
Molecular consequence: missense variant.
Genome position (GRCh38, 1-based): chr7:81,962,485, G>C on the plus strand (C>G on the coding strand, the complement: CACNA2D1 is on the minus strand). VCF-style: chr7-81962485-G-C. GRCh37 (hg19) VCF-style: chr7-81591801-G-C.
Other names: p.Gln931Glu; c.2827C>G, p.Gln943Glu (NM_001366867.1); short protein forms Q931E, Q943E.
Identifiers: ClinVar variation 1515982 (VCV001515982.10), dbSNP rs145110338, ClinGen allele CA4317482.